The following is an entry in ClinVar:

NM_000426.4(LAMA2):c.2187del (p.Tyr730fs)

Gene: LAMA2 (laminin subunit alpha 2; plus strand). Cytogenetic location: 6q22.33.
Variant type: Deletion.
Coding change: c.2187del on transcript NM_000426.4 (MANE Select); coding-DNA position 2187, one base deleted (G; older notation c.2187delG).
Protein change: p.Tyr730fs; shifts the reading frame from tyrosine 730.
Molecular consequence: frameshift variant.
Genome position (GRCh38, 1-based): chr6:129,260,801, G deleted; the last of 3 consecutive G bases (chr6:129,260,799-129,260,801); deleting any one gives the same sequence. VCF-style (leftmost placement, unchanged base first): chr6-129260798-AG-A. GRCh37 (hg19) VCF-style: chr6-129581943-AG-A.
Other names: c.2187del, p.Tyr730fs (NM_001079823.2); short protein forms Y730fs.
Identifiers: ClinVar variation 1391670 (VCV001391670.6), dbSNP rs2114320699, ClinGen allele CA2573140448.

ClinVar aggregate classification (germline): Pathogenic (1 of 4 stars; one submission).

Conditions:
LAMA2-related muscular dystrophy (LAMA2-RD). Also called: Laminin alpha 2-related dystrophy. Identifiers: MedGen C5679788, MONDO:0100228.

Submission:

Labcorp Genetics (formerly Invitae), Labcorp
Classification: Pathogenic for LAMA2-related muscular dystrophy. Last evaluated: 2021-11-08. Review status: criteria provided, single submitter. Criteria: Invitae Variant Classification Sherloc (09022015). Collection method: clinical testing. Allele origin: germline.
Comment: This variant has not been reported in the literature in individuals affected with LAMA2-related conditions. Algorithms developed to predict the effect of sequence changes on RNA splicing suggest that this variant may create or strengthen a splice site. For these reasons, this variant has been classified as Pathogenic. This sequence change creates a premature translational stop signal (p.Tyr730Ilefs*45) in the LAMA2 gene. It is expected to result in an absent or disrupted protein product. Loss-of-function variants in LAMA2 are known to be pathogenic (PMID: 18700894, 32904964). This variant is not present in population databases (gnomAD no frequency).

Literature cited by the submitters: PubMed 18700894; PubMed 32904964.